The following is an entry in ClinVar:

NM_018972.4(GDAP1):c.433_437del (p.Glu145fs)

Gene: GDAP1 (ganglioside induced differentiation associated protein 1; plus strand). Cytogenetic location: 8q21.11.
Variant type: Deletion.
Coding change: c.433_437del on transcript NM_018972.4 (MANE Select); coding-DNA positions 433 to 437, 5 bases deleted (GAGTT; older notation c.433_437delGAGTT).
Protein change: p.Glu145fs; shifts the reading frame from glutamic acid 145.
Molecular consequence: frameshift variant. On other transcripts: intron variant (1).
Genome position (GRCh38, 1-based): chr8:74,360,259-74,360,263, GAGTT deleted; deleting any 5 consecutive bases within chr8:74,360,258-74,360,263 gives the same sequence; the c. name uses the placement nearest the transcript's 3' end. VCF-style (leftmost placement, unchanged base first): chr8-74360257-CTGAGT-C. GRCh37 (hg19) VCF-style: chr8-75272492-CTGAGT-C.
Other names: c.229_233del, p.Glu77fs (NM_001040875.4); c.106_110del, p.Glu36fs (NM_001362929.2, NM_001362932.2); c.433_437del, p.Glu145fs (NM_001362931.2); c.311-1625_311-1621del (NM_001362930.2); c.433_437delGAGTT (NM_018972.4); short protein forms E145fs, E36fs, E77fs.
Identifiers: ClinVar variation 637115 (VCV000637115.3), dbSNP rs1586803273, ClinGen allele CA915945744.

ClinVar aggregate classification (germline): Pathogenic. Review status: criteria provided, single submitter (1 of 4 stars). 3 submissions from 3 submitters: Pathogenic (1). 2 of the submissions do not count toward it. Last evaluated 2024-09-16.

Conditions:
Charcot-Marie-Tooth disease. Also called: Charcot-Marie-Tooth Hereditary Neuropathy; Charcot-Marie-Tooth Neuropathy. Identifiers: Orphanet 166, MedGen C0007959, MONDO:0015626.
Charcot-Marie-Tooth disease type 4A. Also called: Charcot-Marie-Tooth disease, demyelinating, autosomal recessive, type 4a. Identifiers: Orphanet 99948, MedGen C1859198, MONDO:0008961, OMIM 214400.

Submissions (3):

Women's Health and Genetics/Laboratory Corporation of America, LabCorp
Classification: Pathogenic for Charcot-Marie-Tooth disease type 4A. Last evaluated: 2024-09-16. Review status: criteria provided, single submitter. Criteria: LabCorp Variant Classification Summary - May 2015. Collection method: clinical testing. Allele origin: germline.
Comment: Variant summary: GDAP1 c.433_437delGAGTT (p.Glu145AsnfsX16) results in a premature termination codon, predicted to cause a truncation of the encoded protein or absence of the protein due to nonsense mediated decay, which are commonly known mechanisms for disease. The variant was absent in 251476 control chromosomes. c.433_437delGAGTT has been reported in the literature in at-least one individual affected with Charcot-Marie Disease (example: Manganelli_2014). To our knowledge, no experimental evidence demonstrating an impact on protein function has been reported. The following publication has been ascertained in the context of this evaluation (PMID: 25429913). ClinVar contains an entry for this variant (Variation ID: 637115). Based on the evidence outlined above, the variant was classified as pathogenic.

Inherited Neuropathy Consortium Ii, University Of Miami
Classification: Uncertain significance for Charcot-Marie-Tooth disease type 4A. Last evaluated: 2016-01-06. Review status: no assertion criteria provided. Collection method: literature only. Allele origin: germline. Affected: yes. Not counted in ClinVar's aggregate classification.

Inherited Neuropathy Consortium
Classification: Uncertain significance for Charcot-Marie-Tooth disease. Review status: no assertion criteria provided. Collection method: literature only. Allele origin: germline. Affected: yes. Not counted in ClinVar's aggregate classification.

Literature cited by the submitters: PubMed 25429913 (cited by 3 submitters).